The following is an entry in ClinVar:

NM_000038.6(APC):c.4634C>T (p.Ser1545Leu)

Gene: APC (APC regulator of Wnt signaling pathway; plus strand). Cytogenetic location: 5q22.2.
Variant type: single nucleotide variant.
Coding change: c.4634C>T on transcript NM_000038.6 (MANE Select); coding-DNA position 4634, C replaced by T.
Protein change: p.Ser1545Leu; replaces serine 1545 with leucine.
Molecular consequence: missense variant. On other transcripts: non-coding transcript variant (2).
Genome position (GRCh38, 1-based): chr5:112,840,228, C>T. VCF-style: chr5-112840228-C-T. GRCh37 (hg19) VCF-style: chr5-112175925-C-T.
Other names: c.4634C>T, p.Ser1545Leu (NM_001127510.3, NM_001354895.2, NM_001407450.1); c.4580C>T, p.Ser1527Leu (NM_001127511.3); c.4688C>T, p.Ser1563Leu (NM_001354896.2, NM_001407447.1, NM_001407448.1 and 1 more transcripts); c.4664C>T, p.Ser1555Leu (NM_001354897.2); c.4559C>T, p.Ser1520Leu (NM_001354898.2); c.4550C>T, p.Ser1517Leu (NM_001354899.2); c.4511C>T, p.Ser1504Leu (NM_001354900.2); c.4457C>T, p.Ser1486Leu (NM_001354901.2, NM_001407453.1); and 11 more; short protein forms S1161L, S1419L, S1444L, S1454L, S1486L, S1517L, S1520L, S1538L.
Identifiers: ClinVar variation 3635471 (VCV003635471.2).

ClinVar aggregate classification (germline): Uncertain significance (1 of 4 stars; one submission).

Conditions:
Familial adenomatous polyposis 1 (FAP1). Also called: FAMILIAL ADENOMATOUS POLYPOSIS 1, ATTENUATED; POLYPOSIS, ADENOMATOUS INTESTINAL. Identifiers: MedGen C2713442, MONDO:0021056, OMIM 175100. Disease mechanism: loss of function.

Submission:

Labcorp Genetics (formerly Invitae), Labcorp
Classification: Uncertain significance for Familial adenomatous polyposis 1. Last evaluated: 2024-09-08. Review status: criteria provided, single submitter. Criteria: Invitae Variant Classification Sherloc (09022015). Collection method: clinical testing. Allele origin: germline.
Comment: This sequence change replaces serine, which is neutral and polar, with leucine, which is neutral and non-polar, at codon 1545 of the APC protein (p.Ser1545Leu). This variant is not present in population databases (gnomAD no frequency). This variant has not been reported in the literature in individuals affected with APC-related conditions. Invitae Evidence Modeling of protein sequence and biophysical properties (such as structural, functional, and spatial information, amino acid conservation, physicochemical variation, residue mobility, and thermodynamic stability) indicates that this missense variant is not expected to disrupt APC protein function with a negative predictive value of 95%. In summary, the available evidence is currently insufficient to determine the role of this variant in disease. Therefore, it has been classified as a Variant of Uncertain Significance.